The following is an entry in ClinVar:

ClinVar aggregate classification (germline): Uncertain significance (1 of 4 stars; one submission).

Submission:

Labcorp Genetics (formerly Invitae), Labcorp
Classification: Uncertain significance. Last evaluated: 2024-04-05. Review status: criteria provided, single submitter. Criteria: Invitae Variant Classification Sherloc (09022015). Collection method: clinical testing. Allele origin: germline.
Comment: This sequence change replaces aspartic acid, which is acidic and polar, with histidine, which is basic and polar, at codon 574 of the CELSR2 protein (p.Asp574His). This variant is present in population databases (no rsID available, gnomAD 0.003%). This variant has not been reported in the literature in individuals affected with CELSR2-related conditions. Advanced modeling of protein sequence and biophysical properties (such as structural, functional, and spatial information, amino acid conservation, physicochemical variation, residue mobility, and thermodynamic stability) performed at Invitae indicates that this missense variant is not expected to disrupt CELSR2 protein function with a negative predictive value of 80%. In summary, the available evidence is currently insufficient to determine the role of this variant in disease. Therefore, it has been classified as a Variant of Uncertain Significance.

NM_001408.3(CELSR2):c.1720G>C (p.Asp574His)

Gene: CELSR2 (cadherin EGF LAG seven-pass G-type receptor 2; plus strand). Cytogenetic location: 1p13.3.
Variant type: single nucleotide variant.
Coding change: c.1720G>C on transcript NM_001408.3 (MANE Select); coding-DNA position 1720, G replaced by C.
Protein change: p.Asp574His; replaces aspartic acid 574 with histidine.
Molecular consequence: missense variant.
Genome position (GRCh38, 1-based): chr1:109,251,799, G>C. VCF-style: chr1-109251799-G-C. GRCh37 (hg19) VCF-style: chr1-109794421-G-C.
Other names: short protein forms D574H.
Identifiers: ClinVar variation 3681131 (VCV003681131.2).
Genomic context (GRCh38, chr1:109,251,799, plus strand): 5'-ACCATCAACAATGGCACAGGCTGGATCTCTGTGGCTGCTGAACTGGACCGGGAGGAAGTT[G>C]ATTTCTACAGCTTTGGGGTAGAAGCTCGAGACCATGGCACTCCAGCACTCACTGCCTCGG-3'
Protein context (NP_001399.1, residues 564-584): VAAELDREEV[Asp574His]FYSFGVEARD